The following is an entry in ClinVar:

ClinVar aggregate classification (germline): Uncertain significance (1 of 4 stars; one submission).

Submission:

GeneDx
Classification: Uncertain significance. Last evaluated: 2024-05-07. Review status: criteria provided, single submitter. Criteria: GeneDx Variant Classification Process June 2021. Collection method: clinical testing. Allele origin: germline. Affected: yes.
Comment: In silico analysis supports that this missense variant has a deleterious effect on protein structure/function; Has not been previously published as pathogenic or benign to our knowledge

NM_005267.5(GJA8):c.547T>C (p.Cys183Arg)

Gene: GJA8 (gap junction protein alpha 8; plus strand). Cytogenetic location: 1q21.2.
Variant type: single nucleotide variant.
Coding change: c.547T>C on transcript NM_005267.5 (MANE Select); coding-DNA position 547, T replaced by C.
Protein change: p.Cys183Arg; replaces cysteine 183 with arginine.
Molecular consequence: missense variant.
Genome position (GRCh38, 1-based): chr1:147,908,502, T>C. VCF-style: chr1-147908502-T-C. GRCh37 (hg19) VCF-style: chr1-147380629-T-C.
Other names: short protein forms C183R.
Identifiers: ClinVar variation 3375823 (VCV003375823.1).
Genomic context (GRCh38, chr1:147,908,502, plus strand): 5'-GTGGGCTTCATCGTGGGCCACTACTTCCTGTACGGGTTCCGGATCCTGCCTCTGTACCGC[T>C]GCAGCCGGTGGCCCTGCCCCAATGTGGTGGACTGCTTCGTGTCCCGGCCCACGGAGAAAA-3'
Protein context (NP_005258.2, residues 173-193): YGFRILPLYR[Cys183Arg]SRWPCPNVVD